The following is an entry in ClinVar:

ClinVar aggregate classification (germline): Uncertain significance (1 of 4 stars; one submission).

gnomAD v4.1: 10 of 1,614,174 alleles (0.00062%); highest among the groups gnomAD compares: African/African-American, 0.004%; no homozygotes.

Submission:

Labcorp Genetics (formerly Invitae), Labcorp
Classification: Uncertain significance. Last evaluated: 2024-08-05. Review status: criteria provided, single submitter. Criteria: Invitae Variant Classification Sherloc (09022015). Collection method: clinical testing. Allele origin: germline.
Comment: This sequence change affects codon 524 of the MICAL1 mRNA. It is a 'silent' change, meaning that it does not change the encoded amino acid sequence of the MICAL1 protein. It affects a nucleotide within the consensus splice site. This variant is present in population databases (rs527658443, gnomAD 0.007%). This variant has not been reported in the literature in individuals affected with MICAL1-related conditions. Algorithms developed to predict the effect of sequence changes on RNA splicing suggest that this variant is not likely to affect RNA splicing. In summary, the available evidence is currently insufficient to determine the role of this variant in disease. Therefore, it has been classified as a Variant of Uncertain Significance.

NM_022765.4(MICAL1):c.1515C>T (p.Thr505=)

Gene: MICAL1 (microtubule associated monooxygenase, calponin and LIM domain containing 1; minus strand). Cytogenetic location: 6q21.
Variant type: single nucleotide variant.
Coding change: c.1515C>T on transcript NM_022765.4 (MANE Select); coding-DNA position 1515, C replaced by T.
Protein change: p.Thr505=; no amino-acid change (threonine 505 retained).
Molecular consequence: synonymous variant.
Genome position (GRCh38, 1-based): chr6:109,449,401, G>A on the plus strand (C>T on the coding strand, the complement: MICAL1 is on the minus strand). VCF-style: chr6-109449401-G-A. GRCh37 (hg19) VCF-style: chr6-109770604-G-A.
Other names: c.1257C>T, p.Thr419= (NM_001159291.2); c.1572C>T, p.Thr524= (NM_001286613.2).
Identifiers: ClinVar variation 3616727 (VCV003616727.2).